The following is an entry in ClinVar:

ClinVar aggregate classification (germline): Uncertain significance (1 of 4 stars; one submission).

Conditions:
Aspartylglucosaminuria (AGU). Also called: AGA DEFICIENCY; GLYCOASPARAGINASE; GLYCOSYLASPARAGINASE DEFICIENCY; Aspartylglucos-aminuria; Aspartylglucos-amidase (AGA) deficiency. Identifiers: Orphanet 93, MedGen C0268225, MONDO:0008830, OMIM 208400, HP:0012068.

Allele frequency attached by ClinVar (database versions not stated): ExAC 0.00001; gnomAD exomes 0.00002.
gnomAD v4.1: 36 of 1,613,998 alleles (0.0022%); highest among the groups gnomAD compares: Non-Finnish European, 0.003%; no homozygotes.

Submission:

Labcorp Genetics (formerly Invitae), Labcorp
Classification: Uncertain significance for Aspartylglucosaminuria. Last evaluated: 2022-07-09. Review status: criteria provided, single submitter. Criteria: Invitae Variant Classification Sherloc (09022015). Collection method: clinical testing. Allele origin: germline.
Comment: This sequence change replaces arginine, which is basic and polar, with threonine, which is neutral and polar, at codon 66 of the AGA protein (p.Arg66Thr). This variant is present in population databases (rs765934592, gnomAD 0.0009%). This variant has not been reported in the literature in individuals affected with AGA-related conditions. Algorithms developed to predict the effect of missense changes on protein structure and function output the following: SIFT: "Tolerated"; PolyPhen-2: "Benign"; Align-GVGD: "Class C0". The threonine amino acid residue is found in multiple mammalian species, which suggests that this missense change does not adversely affect protein function. In summary, the available evidence is currently insufficient to determine the role of this variant in disease. Therefore, it has been classified as a Variant of Uncertain Significance.

NM_000027.4(AGA):c.197G>C (p.Arg66Thr)

Gene: AGA (aspartylglucosaminidase; minus strand). Cytogenetic location: 4q34.3.
Variant type: single nucleotide variant.
Coding change: c.197G>C on transcript NM_000027.4 (MANE Select); coding-DNA position 197, G replaced by C.
Protein change: p.Arg66Thr; replaces arginine 66 with threonine.
Molecular consequence: missense variant. On other transcripts: non-coding transcript variant (1).
Genome position (GRCh38, 1-based): chr4:177,440,357, C>G on the plus strand (G>C on the coding strand, the complement: AGA is on the minus strand). VCF-style: chr4-177440357-C-G. GRCh37 (hg19) VCF-style: chr4-178361511-C-G.
Other names: c.197G>C, p.Arg66Thr (NM_001171988.2); short protein forms R66T.
Identifiers: ClinVar variation 2039796 (VCV002039796.1), dbSNP rs765934592, ClinGen allele CA3146993.